The following is an entry in ClinVar:

NM_000245.4(MET):c.1924A>C (p.Asn642His)

Gene: MET (MET proto-oncogene, receptor tyrosine kinase; plus strand). Cytogenetic location: 7q31.2.
Variant type: single nucleotide variant.
Coding change: c.1924A>C on transcript NM_000245.4 (MANE Select); coding-DNA position 1924, A replaced by C.
Protein change: p.Asn642His; replaces asparagine 642 with histidine.
Molecular consequence: missense variant.
Genome position (GRCh38, 1-based): chr7:116,757,498, A>C. VCF-style: chr7-116757498-A-C. GRCh37 (hg19) VCF-style: chr7-116397552-A-C.
Other names: c.1924A>C, p.Asn642His (NM_001127500.3, NM_001324401.3); c.634A>C, p.Asn212His (NM_001324402.2); short protein forms N642H, N212H.
Identifiers: ClinVar variation 2072274 (VCV002072274.4), dbSNP rs1554395374, ClinGen allele CA368979404.

ClinVar aggregate classification (germline): Uncertain significance (1 of 4 stars; one submission).

Conditions:
Renal cell carcinoma. Identifiers: Orphanet 217071, MedGen C0007134, MeSH D002292, MONDO:0005086, HP:0005584.

Submission:

Labcorp Genetics (formerly Invitae), Labcorp
Classification: Uncertain significance for Renal cell carcinoma. Last evaluated: 2022-01-05. Review status: criteria provided, single submitter. Criteria: Invitae Variant Classification Sherloc (09022015). Collection method: clinical testing. Allele origin: germline.
Comment: In summary, the available evidence is currently insufficient to determine the role of this variant in disease. Therefore, it has been classified as a Variant of Uncertain Significance. Algorithms developed to predict the effect of missense changes on protein structure and function are either unavailable or do not agree on the potential impact of this missense change (SIFT: "Deleterious"; PolyPhen-2: "Benign"; Align-GVGD: "Class C0"). This variant has not been reported in the literature in individuals affected with MET-related conditions. This variant is not present in population databases (gnomAD no frequency). This sequence change replaces asparagine, which is neutral and polar, with histidine, which is basic and polar, at codon 642 of the MET protein (p.Asn642His).